The following is an entry in ClinVar:

ClinVar aggregate classification (germline): Uncertain significance (1 of 4 stars; one submission).

Conditions:
Joubert syndrome. Also called: Familial aplasia of the vermis; CEREBELLOPARENCHYMAL DISORDER IV; JOUBERT-BOLTSHAUSER SYNDROME. Identifiers: Orphanet 475, MedGen C5979921, MONDO:0018772.
Meckel-Gruber syndrome. Also called: Dysencephalia splachnocystica; DYSENCEPHALIA SPLANCHNOCYSTICA; GRUBER SYNDROME. Identifiers: Orphanet 564, MedGen C0265215, MONDO:0018921.

Submission:

Labcorp Genetics (formerly Invitae), Labcorp
Classification: Uncertain significance for Joubert syndrome; Meckel-Gruber syndrome. Last evaluated: 2020-09-05. Review status: criteria provided, single submitter. Criteria: Invitae Variant Classification Sherloc (09022015). Collection method: clinical testing. Allele origin: germline.
Comment: This sequence change replaces proline with threonine at codon 152 of the MKS1 protein (p.Pro152Thr). The proline residue is highly conserved and there is a small physicochemical difference between proline and threonine. The frequency data for this variant in the population databases is not available, as this variant may be reported as separate entries in the ExAC database. This variant has not been reported in the literature in individuals with MKS1-related conditions. Experimental studies and prediction algorithms are not available or were not evaluated, and the functional significance of this variant is currently unknown. Algorithms developed to predict the effect of sequence changes on RNA splicing suggest that this variant may create or strengthen a splice site, but this prediction has not been confirmed by published transcriptional studies. In summary, the available evidence is currently insufficient to determine the role of this variant in disease. Therefore, it has been classified as a Variant of Uncertain Significance.

NM_017777.4(MKS1):c.453_454delinsAA (p.Pro152Thr)

Gene: MKS1 (MKS transition zone complex subunit 1; minus strand). Cytogenetic location: 17q22.
Variant type: Indel.
Coding change: c.453_454delinsAA on transcript NM_017777.4 (MANE Select); coding-DNA positions 453 to 454, GC replaced by AA.
Protein change: p.Pro152Thr; replaces proline 152 with threonine.
Molecular consequence: missense variant. On other transcripts: intron variant (1).
Genome position (GRCh38, 1-based): chr17:58,214,802-58,214,803, GC replaced by TT on the plus strand (GC replaced by AA on the coding strand, the reverse complement: MKS1 is on the minus strand). VCF-style: chr17-58214802-GC-TT. GRCh37 (hg19) VCF-style: chr17-56292163-GC-TT.
Other names: c.453_454delinsAA, p.Pro152Thr (NM_001321269.2, NM_001330397.2); c.-94-416_-94-415delinsAA (NM_001321268.2); short protein forms P152T.
Identifiers: ClinVar variation 1062088 (VCV001062088.7), dbSNP rs2143809459, ClinGen allele CA2499224754.